The following is an entry in ClinVar:

ClinVar aggregate classification (germline): Uncertain significance. Review status: criteria provided, single submitter (1 of 4 stars). 2 submissions from 2 submitters: Uncertain significance (1). 1 of the submissions does not count toward it. Last evaluated 2024-01-05.

Conditions:
Dejerine-Sottas disease. Also called: Charcot-Marie-Tooth disease type 3; HMSN Type III; Hereditary motor and sensory neuropathy 3; DEJERINE-SOTTAS NEUROPATHY; HEREDITARY MOTOR AND SENSORY NEUROPATHY TYPE III. Identifiers: Orphanet 64748, MedGen C0011195, MONDO:0007790, OMIM 145900.

Submissions (2):

GeneDx
Classification: Uncertain significance. Last evaluated: 2024-01-05. Review status: criteria provided, single submitter. Criteria: GeneDx Variant Classification Process June 2021. Collection method: clinical testing. Allele origin: germline. Affected: yes.
Comment: Not observed at significant frequency in large population cohorts (gnomAD); Missense variants in this gene are a common cause of disease and they are underrepresented in the general population; In silico analysis supports that this missense variant does not alter protein structure/function; Has not been previously published as pathogenic or benign to our knowledge; This variant is associated with the following publications: (PMID: 9633821)

Inherited Neuropathy Consortium
Classification: Uncertain significance for Dejerine-Sottas disease. Review status: no assertion criteria provided. Collection method: literature only. Allele origin: germline. Affected: yes. Not counted in ClinVar's aggregate classification.

Literature cited by the submitters: PubMed 9633821 (cited by Inherited Neuropathy Consortium).

NM_000166.6(GJB1):c.244A>G (p.Ile82Val)

Gene: GJB1 (gap junction protein beta 1; plus strand). Cytogenetic location: Xq13.1.
Variant type: single nucleotide variant.
Coding change: c.244A>G on transcript NM_000166.6 (MANE Select); coding-DNA position 244, A replaced by G.
Protein change: p.Ile82Val; replaces isoleucine 82 with valine.
Molecular consequence: missense variant.
Genome position (GRCh38, 1-based): chrX:71,223,951, A>G. VCF-style: chrX-71223951-A-G. GRCh37 (hg19) VCF-style: chrX-70443801-A-G.
Other names: c.244A>G, p.Ile82Val (NM_001097642.3); short protein forms I82V.
Identifiers: ClinVar variation 637925 (VCV000637925.2), dbSNP rs1602348995, ClinGen allele CA413501639.